The following is an entry in ClinVar:

NM_018191.4(RCBTB1):c.119A>G (p.Asn40Ser)

Gene: RCBTB1 (RCC1 and BTB domain containing protein 1; minus strand). Cytogenetic location: 13q14.2.
Variant type: single nucleotide variant.
Coding change: c.119A>G on transcript NM_018191.4 (MANE Select); coding-DNA position 119, A replaced by G.
Protein change: p.Asn40Ser; replaces asparagine 40 with serine.
Molecular consequence: missense variant. On other transcripts: 5 prime UTR variant (1), non-coding transcript variant (2).
Genome position (GRCh38, 1-based): chr13:49,567,161, T>C on the plus strand (A>G on the coding strand, the complement: RCBTB1 is on the minus strand). VCF-style: chr13-49567161-T-C. GRCh37 (hg19) VCF-style: chr13-50141297-T-C.
Other names: c.119A>G, p.Asn40Ser (NM_001352500.2, NM_001352501.2, NM_001352502.2 and 3 more transcripts); c.-491A>G (NM_001352506.2); short protein forms N40S.
Identifiers: ClinVar variation 1358820 (VCV001358820.3), dbSNP rs760590355, ClinGen allele CA6983020.

ClinVar aggregate classification (germline): Uncertain significance (1 of 4 stars; one submission).

Allele frequency attached by ClinVar (database versions not stated): ExAC 0.00002; gnomAD exomes 0.00002; gnomAD 0.00005; TOPMed 0.00006.
gnomAD v4.1: 16 of 1,613,910 alleles (0.00099%); highest among the groups gnomAD compares: African/African-American, 0.02%; no homozygotes.

Submission:

Labcorp Genetics (formerly Invitae), Labcorp
Classification: Uncertain significance. Last evaluated: 2022-08-23. Review status: criteria provided, single submitter. Criteria: Invitae Variant Classification Sherloc (09022015). Collection method: clinical testing. Allele origin: germline.
Comment: This sequence change replaces asparagine, which is neutral and polar, with serine, which is neutral and polar, at codon 40 of the RCBTB1 protein (p.Asn40Ser). This variant is present in population databases (rs760590355, gnomAD 0.02%). This variant has not been reported in the literature in individuals affected with RCBTB1-related conditions. ClinVar contains an entry for this variant (Variation ID: 1358820). Algorithms developed to predict the effect of missense changes on protein structure and function output the following: SIFT: "Tolerated"; PolyPhen-2: "Benign"; Align-GVGD: "Class C0". The serine amino acid residue is found in multiple mammalian species, which suggests that this missense change does not adversely affect protein function. Algorithms developed to predict the effect of sequence changes on RNA splicing suggest that this variant may create or strengthen a splice site. In summary, the available evidence is currently insufficient to determine the role of this variant in disease. Therefore, it has been classified as a Variant of Uncertain Significance.